The following is an entry in ClinVar:

ClinVar aggregate classification (germline): Benign/Likely benign. Review status: criteria provided, multiple submitters, no conflicts (2 of 4 stars). 7 submissions from 7 submitters: Benign (4); Likely benign (3). Last evaluated 2026-06-01.

Conditions:
Holoprosencephaly 2 (HPE2). Identifiers: Orphanet 2162, MedGen C1834877, MONDO:0007999, OMIM 157170.

Allele frequency attached by ClinVar (database versions not stated): ExAC 0.00057; gnomAD exomes 0.00057; 1000 Genomes Project 0.00060; 1000 Genomes Project 30x 0.00062; gnomAD 0.00064 and 0.00069; TOPMed 0.00074.

Submissions (7):

CeGaT Center for Human Genetics Tuebingen
Classification: Likely benign. Last evaluated: 2026-06-01. Review status: criteria provided, single submitter. Criteria: CeGaT Center For Human Genetics Tuebingen Variant Classification Criteria Version 2. Collection method: clinical testing. Allele origin: germline. Affected: yes. Observed: 4 variant alleles.
Comment: SIX3: BP4, BP7, BS1

Labcorp Genetics (formerly Invitae), Labcorp
Classification: Benign for Holoprosencephaly 2. Last evaluated: 2025-09-24. Review status: criteria provided, single submitter. Criteria: Invitae Variant Classification Sherloc (09022015). Collection method: clinical testing. Allele origin: germline.

Laboratory of Genetics, Children's Clinical University Hospital Latvia
Classification: Likely benign. Last evaluated: 2025-02-16. Review status: criteria provided, single submitter. Criteria: ACMG Guidelines, 2015. Collection method: clinical testing. Allele origin: germline. Affected: yes.

Blueprint Genetics
Classification: Likely benign. Last evaluated: 2024-09-25. Review status: criteria provided, single submitter. Criteria: ACMG Guidelines, 2015. Collection method: clinical testing. Allele origin: germline.

ARUP Laboratories, Molecular Genetics and Genomics, ARUP Laboratories
Classification: Benign. Last evaluated: 2023-08-07. Review status: criteria provided, single submitter. Criteria: ARUP Molecular Germline Variant Investigation Process 2024. Collection method: clinical testing. Allele origin: germline.

Athena Diagnostics
Classification: Benign. Last evaluated: 2018-04-26. Review status: criteria provided, single submitter. Criteria: Athena Diagnostics Criteria. Collection method: clinical testing. Allele origin: germline.

GeneDx
Classification: Benign. Last evaluated: 2015-03-03. Review status: criteria provided, single submitter. Criteria: GeneDx Variant Classification Process June 2021. Collection method: clinical testing. Allele origin: germline. Affected: yes.

NM_005413.4(SIX3):c.348C>T (p.Pro116=)

Gene: SIX3 (SIX homeobox 3; plus strand). Cytogenetic location: 2p21.
Variant type: single nucleotide variant.
Coding change: c.348C>T on transcript NM_005413.4 (MANE Select); coding-DNA position 348, C replaced by T.
Protein change: p.Pro116=; no amino-acid change (proline 116 retained).
Molecular consequence: synonymous variant.
Genome position (GRCh38, 1-based): chr2:44,942,452, C>T. VCF-style: chr2-44942452-C-T. GRCh37 (hg19) VCF-style: chr2-45169591-C-T.
Identifiers: ClinVar variation 586592 (VCV000586592.39), dbSNP rs573768953, ClinGen allele CA1642309.